The following is an entry in ClinVar:

ClinVar aggregate classification (germline): Uncertain significance. Review status: criteria provided, multiple submitters, no conflicts (2 of 4 stars). 2 submissions from 2 submitters: Uncertain significance (2). Last evaluated 2026-07-09.

Conditions:
Hereditary cancer-predisposing syndrome. Also called: Hereditary neoplastic syndrome; Neoplastic Syndromes, Hereditary; Tumor predisposition; Hereditary Cancer Syndrome. Identifiers: Orphanet 140162, MedGen C0027672, MeSH D009386, MONDO:0015356.
Tuberous sclerosis 2 (TSC2). Identifiers: Orphanet 805, MedGen C1860707, MONDO:0013199, OMIM 613254.

Submissions (2):

Ambry Genetics
Classification: Uncertain significance for Hereditary cancer-predisposing syndrome. Last evaluated: 2026-07-09. Review status: criteria provided, single submitter. Criteria: Ambry Variant Classification Scheme 2023. Collection method: clinical testing. Allele origin: germline.
Comment: The p.A623P variant (also known as c.1867G>C), located in coding exon 17 of the TSC2 gene, results from a G to C substitution at nucleotide position 1867. The alanine at codon 623 is replaced by proline, an amino acid with highly similar properties. This amino acid position is conserved. In addition, this alteration is predicted to be deleterious by in silico analysis. Based on the available evidence, the clinical significance of this variant remains unclear.

Labcorp Genetics (formerly Invitae), Labcorp
Classification: Uncertain significance for Tuberous sclerosis 2. Last evaluated: 2025-10-25. Review status: criteria provided, single submitter. Criteria: Invitae Variant Classification Sherloc (09022015). Collection method: clinical testing. Allele origin: germline.
Comment: This sequence change replaces alanine, which is neutral and non-polar, with proline, which is neutral and non-polar, at codon 623 of the TSC2 protein (p.Ala623Pro). This variant is not present in population databases (gnomAD no frequency). This variant has not been reported in the literature in individuals affected with TSC2-related conditions. ClinVar contains an entry for this variant (Variation ID: 1966966). Invitae Evidence Modeling of protein sequence and biophysical properties (such as structural, functional, and spatial information, amino acid conservation, physicochemical variation, residue mobility, and thermodynamic stability) has been performed for this missense variant. However, the output from this modeling did not meet the statistical confidence thresholds required to predict the impact of this variant on TSC2 protein function. In summary, the available evidence is currently insufficient to determine the role of this variant in disease. Therefore, it has been classified as a Variant of Uncertain Significance.

NM_000548.5(TSC2):c.1867G>C (p.Ala623Pro)

Gene: TSC2 (TSC complex subunit 2; plus strand). Cytogenetic location: 16p13.3.
Variant type: single nucleotide variant.
Coding change: c.1867G>C on transcript NM_000548.5 (MANE Select); coding-DNA position 1867, G replaced by C.
Protein change: p.Ala623Pro; replaces alanine 623 with proline.
Molecular consequence: missense variant.
Genome position (GRCh38, 1-based): chr16:2,071,537, G>C. VCF-style: chr16-2071537-G-C. GRCh37 (hg19) VCF-style: chr16-2121538-G-C.
Other names: c.1867G>C, p.Ala623Pro (NM_001077183.3, NM_001114382.3, NM_001363528.2 and 6 more transcripts); c.1756G>C, p.Ala586Pro (NM_001318827.2, NM_001406670.1, NM_001406678.1); c.1720G>C, p.Ala574Pro (NM_001318829.2, NM_001406675.1, NM_001406676.1 and 1 more transcripts); c.1267G>C, p.Ala423Pro (NM_001318831.2, NM_001406680.1, NM_001406682.1 and 6 more transcripts); c.1900G>C, p.Ala634Pro (NM_001318832.2); c.1957G>C, p.Ala653Pro (NM_001406667.1, NM_001406668.1); c.1855G>C, p.Ala619Pro (NM_001406671.1, NM_001406673.1); c.1810G>C, p.Ala604Pro (NM_001406677.1); and 3 more; short protein forms A623P, A634P, A619P, A653P, A89P, A574P, A586P, A175P.
Identifiers: ClinVar variation 1966966 (VCV001966966.7), dbSNP rs1596342269, ClinGen allele CA394273077.